The following is an entry in ClinVar:

NM_000245.4(MET):c.3799-4C>T

Gene: MET (MET proto-oncogene, receptor tyrosine kinase; plus strand). Cytogenetic location: 7q31.2.
Variant type: single nucleotide variant.
Coding change: c.3799-4C>T on transcript NM_000245.4 (MANE Select); 4 bases into the intron before coding-DNA position 3799, C replaced by T.
Molecular consequence: intron variant.
Genome position (GRCh38, 1-based): chr7:116,795,651, C>T. VCF-style: chr7-116795651-C-T. GRCh37 (hg19) VCF-style: chr7-116435705-C-T.
Other names: c.3853-4C>T (NM_001127500.3, NM_001127500.2); c.2509-4C>T (NM_001324402.2).
Identifiers: ClinVar variation 1607422 (VCV001607422.10), dbSNP rs2117107162, ClinGen allele CA2573141507.
Genomic context (GRCh38, chr7:116,795,651, plus strand): 5'-ATTTCCTTTCATATATGTATGGTCACATCTCTCACCTCATCTGTCCTGTTTCTTGTTTTA[C>T]TAGTGGTCCTTTGGCGTGCTCCTCTGGGAGCTGATGACAAGAGGAGCCCCACCTTATCCT-3'

ClinVar aggregate classification (germline): Conflicting classifications of pathogenicity. Review status: criteria provided, conflicting classifications (1 of 4 stars). 3 submissions from 3 submitters: Uncertain significance (1); Likely benign (2). Last evaluated 2025-03-08.

Conditions:
Renal cell carcinoma. Identifiers: Orphanet 217071, MedGen C0007134, MeSH D002292, MONDO:0005086, HP:0005584.
Papillary renal cell carcinoma type 1 (RCCP1). Also called: Renal adenocarcinoma; Renal cell carcinoma 1; Renal cell carcinoma, somatic; RENAL CELL CARCINOMA, PAPILLARY, 1, SOMATIC. Identifiers: Orphanet 47044, MedGen C1336839, OMIM 605074, HP:0011797.

gnomAD v4.1: 2 of 1,613,688 alleles (0.00012%); no homozygotes.

Submissions (3):

Quest Diagnostics Nichols Institute San Juan Capistrano
Classification: Uncertain significance. Last evaluated: 2025-03-08. Review status: criteria provided, single submitter. Criteria: Quest Diagnostics criteria. Collection method: clinical testing. Allele origin: unknown.

Myriad Genetics, Inc.
Classification: Likely benign for Papillary renal cell carcinoma type 1. Last evaluated: 2024-11-14. Review status: criteria provided, single submitter. Criteria: Myriad Autosomal Dominant, Autosomal Recessive and X-Linked Classification Criteria (2023). Collection method: clinical testing. Allele origin: unknown.
Comment: This variant is considered likely benign. This variant is intronic and is not expected to impact mRNA splicing.

Labcorp Genetics (formerly Invitae), Labcorp
Classification: Likely benign for Renal cell carcinoma. Last evaluated: 2024-04-15. Review status: criteria provided, single submitter. Criteria: Invitae Variant Classification Sherloc (09022015). Collection method: clinical testing. Allele origin: germline.